The following is an entry in ClinVar:

ClinVar aggregate classification (germline): Uncertain significance. Review status: criteria provided, multiple submitters, no conflicts (2 of 4 stars). 5 submissions from 5 submitters: Uncertain significance (4). 1 of the submissions does not count toward it. Last evaluated 2025-10-07.

Conditions:
GJB4-related disorder. Also called: GJB4-related condition.
Erythrokeratodermia variabilis et progressiva 2 (EKVP2). Identifiers: MedGen C4479618, MONDO:0033012, OMIM 617524.

Allele frequency attached by ClinVar (database versions not stated): TOPMed 0.00006.
gnomAD v4.1: 117 of 1,613,888 alleles (0.0072%); highest among the groups gnomAD compares: Admixed American, 0.013%; no homozygotes.

Submissions (5):

Labcorp Genetics (formerly Invitae), Labcorp
Classification: Uncertain significance. Last evaluated: 2025-10-07. Review status: criteria provided, single submitter. Criteria: Invitae Variant Classification Sherloc (09022015). Collection method: clinical testing. Allele origin: germline.
Comment: This sequence change replaces arginine, which is basic and polar, with histidine, which is basic and polar, at codon 22 of the GJB4 protein (p.Arg22His). This variant is present in population databases (rs80358212, gnomAD 0.01%). This missense change has been observed in individual(s) with erythrokeratodermia variabilis (PMID: 12648223). It has also been observed to segregate with disease in related individuals. ClinVar contains an entry for this variant (Variation ID: 5008). Invitae Evidence Modeling of protein sequence and biophysical properties (such as structural, functional, and spatial information, amino acid conservation, physicochemical variation, residue mobility, and thermodynamic stability) indicates that this missense variant is expected to disrupt GJB4 protein function with a positive predictive value of 80%. In summary, the available evidence is currently insufficient to determine the role of this variant in disease. Therefore, it has been classified as a Variant of Uncertain Significance.

PreventionGenetics, part of Exact Sciences
Classification: Uncertain significance for GJB4-related condition. Last evaluated: 2025-06-08. Review status: criteria provided, single submitter. Criteria: ACMG Guidelines, 2015. Collection method: clinical testing. Allele origin: germline.
Comment: The GJB4 c.65G>A variant is predicted to result in the amino acid substitution p.Arg22His. This variant was reported in a family and found to segregate with erythrokeratodermia variabilis (two affected and one unaffected individuals; Richard et al 2003. PubMed ID: 12648223). This variant is reported in 0.017% of alleles in individuals of Latino descent in gnomAD, which is likely too frequent to be a primary cause of disease. At this time, the clinical significance of this variant is uncertain due to the absence of conclusive functional and genetic evidence.

Department of Pathology and Laboratory Medicine, Sinai Health System
Classification: Uncertain significance for Erythrokeratodermia variabilis et progressiva 2. Last evaluated: 2022-08-02. Review status: criteria provided, single submitter. Criteria: ACMG Guidelines, 2015. Collection method: research. Allele origin: germline.

GeneDx
Classification: Uncertain significance. Last evaluated: 2022-01-31. Review status: criteria provided, single submitter. Criteria: GeneDx Variant Classification Process June 2021. Collection method: clinical testing. Allele origin: germline. Affected: yes.
Comment: In silico analysis supports that this missense variant has a deleterious effect on protein structure/function; This variant is associated with the following publications: (PMID: 31589614, 12648223)

OMIM
Classification: Pathogenic for ERYTHROKERATODERMIA VARIABILIS ET PROGRESSIVA 2. Last evaluated: 2003-04-01. Review status: no assertion criteria provided. Collection method: literature only. Allele origin: germline. Not counted in ClinVar's aggregate classification.

Literature cited by the submitters: PubMed 12648223 (cited by Labcorp Genetics (formerly Invitae), Labcorp and OMIM).

NM_153212.3(GJB4):c.65G>A (p.Arg22His)

Gene: GJB4 (gap junction protein beta 4; plus strand). Cytogenetic location: 1p34.3.
Variant type: single nucleotide variant.
Coding change: c.65G>A on transcript NM_153212.3 (MANE Select); coding-DNA position 65, G replaced by A.
Protein change: p.Arg22His; replaces arginine 22 with histidine.
Molecular consequence: missense variant.
Genome position (GRCh38, 1-based): chr1:34,761,319, G>A. VCF-style: chr1-34761319-G-A. GRCh37 (hg19) VCF-style: chr1-35226920-G-A.
Other names: short protein forms R22H.
Identifiers: ClinVar variation 5008 (VCV000005008.7), dbSNP rs80358212, ClinGen allele CA117206.